The following is an entry in ClinVar:

NM_007294.4(BRCA1):c.2643dup (p.Cys882fs)

Gene: BRCA1 (BRCA1 DNA repair associated; minus strand). Cytogenetic location: 17q21.31.
Variant type: Duplication.
Coding change: c.2643dup on transcript NM_007294.4 (MANE Select); coding-DNA position 2643, one base duplicated (A; older notation c.2643dupA).
Protein change: p.Cys882fs; shifts the reading frame from cysteine 882.
Molecular consequence: frameshift variant. On other transcripts: intron variant (137).
Genome position (GRCh38, 1-based): chr17:43,092,888, T duplicated on the plus strand (A on the coding strand, the reverse complement: BRCA1 is on the minus strand); the first of 2 consecutive T bases (chr17:43,092,888-43,092,889); duplicating either gives the same sequence. VCF-style (leftmost placement, unchanged base first): chr17-43092887-A-AT. GRCh37 (hg19) VCF-style: chr17-41244904-A-AT.
Other names: c.787+1856dup (NM_001407970.1, NM_001407980.1, NM_001407993.1 and 17 more transcripts); c.2640dup, p.Cys881fs (NM_001407587.1, NM_001407590.1, NM_001407591.1 and 22 more transcripts); c.2643dup, p.Cys882fs (NM_001407593.1, NM_001407581.1, NM_001407582.1 and 30 more transcripts); c.2430dup, p.Cys811fs (NM_001407571.1, NM_001407853.1, NM_001407894.1 and 9 more transcripts); c.2643dupA (NM_007294.3); c.2634dup, p.Cys879fs (NM_001407646.1, NM_001407647.1); c.2520dup, p.Cys841fs (NM_001407648.1, NM_001407664.1, NM_001407665.1 and 19 more transcripts); c.2517dup, p.Cys840fs (NM_001407649.1, NM_001407670.1, NM_001407671.1 and 11 more transcripts); and 42 more; short protein forms C882fs, C835fs, C834fs, C855fs, C586fs, C714fs, C770fs, C793fs.
Identifiers: ClinVar variation 574879 (VCV000574879.11), dbSNP rs397508989, ClinGen allele CA891843731.

ClinVar aggregate classification (germline): Pathogenic (1 of 4 stars; one submission).

Conditions:
Hereditary breast ovarian cancer syndrome. Also called: BRCA1- and BRCA2-Associated Hereditary Breast and Ovarian Cancer; Hereditary breast and ovarian cancer; Hereditary breast and/or ovarian cancer syndrome; Hereditary breast and ovarian cancer syndrome; Hereditary breast and ovarian cancer syndrome (HBOC); Breast and ovarian cancer. Identifiers: Orphanet 145, MedGen C0677776, MeSH D061325, MONDO:0003582. Disease mechanism: loss of function.

Submission:

Labcorp Genetics (formerly Invitae), Labcorp
Classification: Pathogenic for Hereditary breast ovarian cancer syndrome. Last evaluated: 2025-08-05. Review status: criteria provided, single submitter. Criteria: Invitae Variant Classification Sherloc (09022015). Collection method: clinical testing. Allele origin: germline.
Comment: This sequence change creates a premature translational stop signal (p.Cys882Metfs*21) in the BRCA1 gene. It is expected to result in an absent or disrupted protein product. Loss-of-function variants in BRCA1 are known to be pathogenic (PMID: 20104584). This variant is not present in population databases (gnomAD no frequency). This variant has not been reported in the literature in individuals affected with BRCA1-related conditions. ClinVar contains an entry for this variant (Variation ID: 574879). For these reasons, this variant has been classified as Pathogenic.

Literature cited by the submitters: PubMed 20104584.